The following is an entry in ClinVar:

ClinVar aggregate classification (germline): Likely benign. Review status: criteria provided, multiple submitters, no conflicts (2 of 4 stars). 2 submissions from 2 submitters: Likely benign (2). Last evaluated 2026-08-04.

Conditions:
ABCC2-related disorder. Also called: ABCC2-related condition.

Submissions (2):

PreventionGenetics, part of Exact Sciences
Classification: Likely benign for ABCC2-related condition. Last evaluated: 2026-08-04. Review status: criteria provided, single submitter. Criteria: ACMG Guidelines, 2015. Collection method: clinical testing. Allele origin: germline.
Comment: This variant is classified as likely benign based on ACMG/AMP sequence variant interpretation guidelines (Richards et al. 2015 PMID: 25741868, with internal and published modifications).

Labcorp Genetics (formerly Invitae), Labcorp
Classification: Likely benign. Last evaluated: 2023-05-18. Review status: criteria provided, single submitter. Criteria: Invitae Variant Classification Sherloc (09022015). Collection method: clinical testing. Allele origin: germline.

NM_000392.5(ABCC2):c.828G>A (p.Leu276=)

Gene: ABCC2 (ATP binding cassette subfamily C member 2; plus strand). Cytogenetic location: 10q24.2.
Variant type: single nucleotide variant.
Coding change: c.828G>A on transcript NM_000392.5 (MANE Select); coding-DNA position 828, G replaced by A.
Protein change: p.Leu276=; no amino-acid change (leucine 276 retained).
Molecular consequence: synonymous variant.
Genome position (GRCh38, 1-based): chr10:99,797,292, G>A. VCF-style: chr10-99797292-G-A. GRCh37 (hg19) VCF-style: chr10-101557049-G-A.
Other names: c.828G>A (NM_000392.4).
Identifiers: ClinVar variation 2807246 (VCV002807246.4), dbSNP rs1406555731, ClinGen allele CA471126161.